The following is an entry in ClinVar:

NM_198578.4(LRRK2):c.3457C>T (p.Pro1153Ser)

Gene: LRRK2 (leucine rich repeat kinase 2; plus strand). Cytogenetic location: 12q12.
Variant type: single nucleotide variant.
Coding change: c.3457C>T on transcript NM_198578.4 (MANE Select); coding-DNA position 3457, C replaced by T.
Protein change: p.Pro1153Ser; replaces proline 1153 with serine.
Molecular consequence: missense variant.
Genome position (GRCh38, 1-based): chr12:40,299,218, C>T. VCF-style: chr12-40299218-C-T. GRCh37 (hg19) VCF-style: chr12-40693020-C-T.
Other names: short protein forms P1153S.
Identifiers: ClinVar variation 2642848 (VCV002642848.24), dbSNP rs2499757220, ClinGen allele CA384415909.

ClinVar aggregate classification (germline): Uncertain significance (1 of 4 stars; one submission).

Submission:

CeGaT Center for Human Genetics Tuebingen
Classification: Uncertain significance. Last evaluated: 2022-07-01. Review status: criteria provided, single submitter. Criteria: CeGaT Center For Human Genetics Tuebingen Variant Classification Criteria Version 2. Collection method: clinical testing. Allele origin: germline. Affected: yes. Observed: 1 variant allele.
Comment: LRRK2: PM2, BP4